The following is an entry in ClinVar:

ClinVar aggregate classification (germline): Uncertain significance (1 of 4 stars; one submission).

Submission:

Labcorp Genetics (formerly Invitae), Labcorp
Classification: Uncertain significance. Last evaluated: 2022-08-02. Review status: criteria provided, single submitter. Criteria: Invitae Variant Classification Sherloc (09022015). Collection method: clinical testing. Allele origin: germline.
Comment: This sequence change replaces glutamic acid, which is acidic and polar, with alanine, which is neutral and non-polar, at codon 1716 of the PCNT protein (p.Glu1716Ala). This variant is not present in population databases (gnomAD no frequency). This variant has not been reported in the literature in individuals affected with PCNT-related conditions. Algorithms developed to predict the effect of missense changes on protein structure and function are either unavailable or do not agree on the potential impact of this missense change (SIFT: "Deleterious"; PolyPhen-2: "Possibly Damaging"; Align-GVGD: "Class C0"). In summary, the available evidence is currently insufficient to determine the role of this variant in disease. Therefore, it has been classified as a Variant of Uncertain Significance.

NM_006031.6(PCNT):c.5147A>C (p.Glu1716Ala)

Gene: PCNT (pericentrin; plus strand). Cytogenetic location: 21q22.3.
Variant type: single nucleotide variant.
Coding change: c.5147A>C on transcript NM_006031.6 (MANE Select); coding-DNA position 5147, A replaced by C.
Protein change: p.Glu1716Ala; replaces glutamic acid 1716 with alanine.
Molecular consequence: missense variant.
Genome position (GRCh38, 1-based): chr21:46,411,220, A>C. VCF-style: chr21-46411220-A-C. GRCh37 (hg19) VCF-style: chr21-47831134-A-C.
Other names: c.4793A>C, p.Glu1598Ala (NM_001315529.2); short protein forms E1598A, E1716A.
Identifiers: ClinVar variation 1714854 (VCV001714854.3), dbSNP rs2518769702, ClinGen allele CA410551790.